The following is an entry in ClinVar:

ClinVar aggregate classification (germline): Uncertain significance. Review status: criteria provided, multiple submitters, no conflicts (2 of 4 stars). 6 submissions from 6 submitters: Uncertain significance (6). Last evaluated 2025-09-15.

Conditions:
Loeys-Dietz syndrome (LDS). Identifiers: Orphanet 60030, MedGen C2697932, MONDO:0018954.
TGFBR1-related disorder. Also called: TGFBR1-related condition.
Familial thoracic aortic aneurysm and aortic dissection (TAAD). Also called: Thoracic aortic aneurysms and dissections. Identifiers: Orphanet 91387, MedGen C4707243, MONDO:0019625.

Allele frequency attached by ClinVar (database versions not stated): gnomAD exomes below 0.00001; TOPMed below 0.00001.
gnomAD v4.1: 2 of 1,613,846 alleles (0.00012%); highest among the groups gnomAD compares: Non-Finnish European, 0.00017%; no homozygotes.

Submissions (6):

Labcorp Genetics (formerly Invitae), Labcorp
Classification: Uncertain significance for Familial thoracic aortic aneurysm and aortic dissection. Last evaluated: 2025-09-15. Review status: criteria provided, single submitter. Criteria: Invitae Variant Classification Sherloc (09022015). Collection method: clinical testing. Allele origin: germline.
Comment: This sequence change replaces glutamic acid, which is acidic and polar, with aspartic acid, which is acidic and polar, at codon 60 of the TGFBR1 protein (p.Glu60Asp). This variant is not present in population databases (gnomAD no frequency). This variant has not been reported in the literature in individuals affected with TGFBR1-related conditions. ClinVar contains an entry for this variant (Variation ID: 1330859). Invitae Evidence Modeling of protein sequence and biophysical properties (such as structural, functional, and spatial information, amino acid conservation, physicochemical variation, residue mobility, and thermodynamic stability) indicates that this missense variant is not expected to disrupt TGFBR1 protein function with a negative predictive value of 95%. In summary, the available evidence is currently insufficient to determine the role of this variant in disease. Therefore, it has been classified as a Variant of Uncertain Significance.

Color Diagnostics, LLC DBA Color Health
Classification: Uncertain significance for Familial thoracic aortic aneurysm and aortic dissection. Last evaluated: 2024-03-06. Review status: criteria provided, single submitter. Criteria: ACMG Guidelines, 2015. Collection method: clinical testing. Allele origin: germline.
Comment: This missense variant replaces glutamic acid with aspartic acid at codon 60 of the TGFBR1 protein. Computational prediction suggests that this variant may not impact protein structure and function (internally defined REVEL score threshold <= 0.5, PMID: 27666373). To our knowledge, functional studies have not been reported for this variant. This variant has not been reported in individuals affected with TGFBR1-related disorders in the literature. This variant has not been identified in the general population by the Genome Aggregation Database (gnomAD). The available evidence is insufficient to determine the role of this variant in disease conclusively. Therefore, this variant is classified as a Variant of Uncertain Significance.

All of Us Research Program, National Institutes of Health
Classification: Uncertain significance for Loeys-Dietz syndrome. Last evaluated: 2023-08-15. Review status: criteria provided, single submitter. Criteria: ACMG Guidelines, 2015. Collection method: clinical testing. Allele origin: germline. Inheritance: Autosomal dominant inheritance. Observed: 1 variant allele, 1 heterozygote.
Comment: This missense variant replaces glutamic acid with aspartic acid at codon 60 of the TGFBR1 protein. Computational prediction suggests that this variant may not impact protein structure and function (internally defined REVEL score threshold <= 0.5, PMID: 27666373). To our knowledge, functional studies have not been reported for this variant. This variant has not been reported in individuals affected with TGFBR1-related disorders in the literature. This variant has not been identified in the general population by the Genome Aggregation Database (gnomAD). The available evidence is insufficient to determine the role of this variant in disease conclusively. Therefore, this variant is classified as a Variant of Uncertain Significance.

This study involves interpretation of variants in research participants for the purpose of population health screening. Participant phenotype was not available at the time of variant classification. Additional details can be found in publication PMID: 35346344, PMCID: PMC8962531

PreventionGenetics, part of Exact Sciences
Classification: Uncertain significance for TGFBR1-related condition. Last evaluated: 2022-08-31. Review status: criteria provided, single submitter. Criteria: ACMG Guidelines, 2015. Collection method: clinical testing. Allele origin: germline.
Comment: The TGFBR1 c.180G>C variant is predicted to result in the amino acid substitution p.Glu60Asp. To our knowledge, this variant has not been reported in the literature or in a large population database, indicating this variant is rare. At this time, the clinical significance of this variant is uncertain due to the absence of conclusive functional and genetic evidence.

Ambry Genetics
Classification: Uncertain significance for Familial thoracic aortic aneurysm and aortic dissection. Last evaluated: 2022-06-06. Review status: criteria provided, single submitter. Criteria: Ambry Variant Classification Scheme 2023. Collection method: clinical testing. Allele origin: germline.
Comment: The p.E60D variant (also known as c.180G>C), located in coding exon 2 of the TGFBR1 gene, results from a G to C substitution at nucleotide position 180. The glutamic acid at codon 60 is replaced by aspartic acid, an amino acid with highly similar properties. This amino acid position is conserved. In addition, this alteration is predicted to be tolerated by in silico analysis. Since supporting evidence is limited at this time, the clinical significance of this alteration remains unclear.

ARUP Laboratories, Molecular Genetics and Genomics, ARUP Laboratories
Classification: Uncertain significance. Last evaluated: 2021-07-30. Review status: criteria provided, single submitter. Criteria: ARUP Molecular Germline Variant Investigation Process 2021. Collection method: clinical testing. Allele origin: germline.
Comment: The TGFBR1 c.180G>C; p.Glu60Asp variant (rs1171355842), to our knowledge, is not reported in the medical literature or gene specific databases. This variant is absent from the Genome Aggregation Database, indicating it is not a common polymorphism. The glutamic acid at codon 60 is weakly conserved, and computational analyses are uncertain whether this variant is neutral or deleterious (REVEL: 0.302). Due to limited information, the clinical significance of this variant is uncertain at this time.

NM_004612.4(TGFBR1):c.180G>C (p.Glu60Asp)

Gene: TGFBR1 (transforming growth factor beta receptor 1; plus strand). Cytogenetic location: 9q22.33.
Variant type: single nucleotide variant.
Coding change: c.180G>C on transcript NM_004612.4 (MANE Select); coding-DNA position 180, G replaced by C.
Protein change: p.Glu60Asp; replaces glutamic acid 60 with aspartic acid.
Molecular consequence: missense variant.
Genome position (GRCh38, 1-based): chr9:99,128,937, G>C. VCF-style: chr9-99128937-G-C. GRCh37 (hg19) VCF-style: chr9-101891219-G-C.
Other names: c.180G>C (NM_004612.3); c.180G>C, p.Glu60Asp (NM_001130916.3, NM_001306210.2); short protein forms E60D.
Identifiers: ClinVar variation 1330859 (VCV001330859.16), dbSNP rs1171355842, ClinGen allele CA374225416.